The following is an entry in ClinVar:

NM_033109.5(PNPT1):c.874A>G (p.Met292Val)

Gene: PNPT1 (polyribonucleotide nucleotidyltransferase 1; minus strand). Cytogenetic location: 2p16.1.
Variant type: single nucleotide variant.
Coding change: c.874A>G on transcript NM_033109.5 (MANE Select); coding-DNA position 874, A replaced by G.
Protein change: p.Met292Val; replaces methionine 292 with valine.
Molecular consequence: missense variant.
Genome position (GRCh38, 1-based): chr2:55,672,039, T>C on the plus strand (A>G on the coding strand, the complement: PNPT1 is on the minus strand). VCF-style: chr2-55672039-T-C. GRCh37 (hg19) VCF-style: chr2-55899174-T-C.
Other names: c.874A>G (NM_033109.3); short protein forms M292V.
Identifiers: ClinVar variation 1360327 (VCV001360327.6), dbSNP rs533576539, ClinGen allele CA1668314.

ClinVar aggregate classification (germline): Uncertain significance. Review status: criteria provided, multiple submitters, no conflicts (2 of 4 stars). 2 submissions from 2 submitters: Uncertain significance (2). Last evaluated 2025-10-27.

Conditions:
Inborn genetic diseases. Identifiers: MedGen C0950123, MeSH D030342.

Allele frequency attached by ClinVar (database versions not stated): gnomAD exomes 0.00001 and 0.00003; ExAC 0.00002; gnomAD 0.00007; TOPMed 0.00009.
gnomAD v4.1: 23 of 1,597,040 alleles (0.0014%); highest among the groups gnomAD compares: African/African-American, 0.023%; no homozygotes.

Submissions (2):

Labcorp Genetics (formerly Invitae), Labcorp
Classification: Uncertain significance. Last evaluated: 2025-10-27. Review status: criteria provided, single submitter. Criteria: Invitae Variant Classification Sherloc (09022015). Collection method: clinical testing. Allele origin: germline.
Comment: This sequence change replaces methionine, which is neutral and non-polar, with valine, which is neutral and non-polar, at codon 292 of the PNPT1 protein (p.Met292Val). This variant is present in population databases (rs533576539, gnomAD 0.03%). This variant has not been reported in the literature in individuals affected with PNPT1-related conditions. ClinVar contains an entry for this variant (Variation ID: 1360327). Invitae Evidence Modeling of protein sequence and biophysical properties (such as structural, functional, and spatial information, amino acid conservation, physicochemical variation, residue mobility, and thermodynamic stability) indicates that this missense variant is not expected to disrupt PNPT1 protein function with a negative predictive value of 80%. In summary, the available evidence is currently insufficient to determine the role of this variant in disease. Therefore, it has been classified as a Variant of Uncertain Significance.

Ambry Genetics
Classification: Uncertain significance for Inborn genetic diseases. Last evaluated: 2025-04-20. Review status: criteria provided, single submitter. Criteria: Ambry Variant Classification Scheme 2023. Collection method: clinical testing. Allele origin: germline.